The following is an entry in ClinVar:

ClinVar aggregate classification (germline): Uncertain significance (1 of 4 stars; one submission).

Submission:

Labcorp Genetics (formerly Invitae), Labcorp
Classification: Uncertain significance. Last evaluated: 2025-11-01. Review status: criteria provided, single submitter. Criteria: Invitae Variant Classification Sherloc (09022015). Collection method: clinical testing. Allele origin: germline.
Comment: This sequence change replaces phenylalanine, which is neutral and non-polar, with leucine, which is neutral and non-polar, at codon 299 of the DCDC1 protein (p.Phe299Leu). This variant is not present in population databases (gnomAD no frequency). This variant has not been reported in the literature in individuals affected with DCDC1-related conditions. An algorithm developed to predict the effect of missense changes on protein structure and function outputs the following: PolyPhen-2: "Benign". The leucine amino acid residue is found in multiple mammalian species, which suggests that this missense change does not adversely affect protein function. In summary, the available evidence is currently insufficient to determine the role of this variant in disease. Therefore, it has been classified as a Variant of Uncertain Significance.

NM_001387274.1(DCDC1):c.897C>A (p.Phe299Leu)

Gene: DCDC1 (doublecortin domain containing 1; minus strand). Cytogenetic location: 11p13.
Variant type: single nucleotide variant.
Coding change: c.897C>A on transcript NM_001387274.1 (MANE Select); coding-DNA position 897, C replaced by A.
Protein change: p.Phe299Leu; replaces phenylalanine 299 with leucine.
Molecular consequence: missense variant.
Genome position (GRCh38, 1-based): chr11:31,290,710, G>T on the plus strand (C>A on the coding strand, the complement: DCDC1 is on the minus strand). VCF-style: chr11-31290710-G-T. GRCh37 (hg19) VCF-style: chr11-31312257-G-T.
Other names: c.897C>A, p.Phe299Leu (NM_001367979.1, NM_181807.4); short protein forms F299L.
Identifiers: ClinVar variation 4717469 (VCV004717469.1).